The following is an entry in ClinVar:

NM_030632.3(ASXL3):c.5253G>A (p.Thr1751=)

Gene: ASXL3 (ASXL transcriptional regulator 3; plus strand). Cytogenetic location: 18q12.1.
Variant type: single nucleotide variant.
Coding change: c.5253G>A on transcript NM_030632.3 (MANE Select); coding-DNA position 5253, G replaced by A.
Protein change: p.Thr1751=; no amino-acid change (threonine 1751 retained).
Molecular consequence: synonymous variant.
Genome position (GRCh38, 1-based): chr18:33,745,101, G>A. VCF-style: chr18-33745101-G-A. GRCh37 (hg19) VCF-style: chr18-31325065-G-A.
Identifiers: ClinVar variation 2648659 (VCV002648659.24), dbSNP rs910681016, ClinGen allele CA297794097.

ClinVar aggregate classification (germline): Likely benign (1 of 4 stars; one submission).

Allele frequency attached by ClinVar (database versions not stated): TOPMed 0.00002.

Submission:

CeGaT Center for Human Genetics Tuebingen
Classification: Likely benign. Last evaluated: 2022-03-01. Review status: criteria provided, single submitter. Criteria: CeGaT Center For Human Genetics Tuebingen Variant Classification Criteria Version 2. Collection method: clinical testing. Allele origin: germline. Affected: yes. Observed: 1 variant allele.
Comment: ASXL3: BP4, BP7